The following is an entry in ClinVar:

ClinVar aggregate classification (germline): Conflicting classifications of pathogenicity. Review status: criteria provided, conflicting classifications (1 of 4 stars). 4 submissions from 4 submitters: Pathogenic (1); Likely pathogenic (1); Uncertain significance (2). Last evaluated 2025-10-08.

Conditions:
Autosomal recessive limb-girdle muscular dystrophy. Identifiers: Orphanet 102015, MedGen C2931907, MONDO:0015152.
Autosomal recessive limb-girdle muscular dystrophy type 2A (LGMDR1). Also called: Calpainopathy; MUSCULAR DYSTROPHY, PELVOFEMORAL; Limb-girdle muscular dystrophy, type 2A; Muscular dystrophy, limb-girdle, type 2A, Amish; LEYDEN-MOEBIUS MUSCULAR DYSTROPHY. Identifiers: Orphanet 267, MedGen C1869123, MONDO:0009675, OMIM 253600. Disease mechanism: loss of function.

Allele frequency attached by ClinVar (database versions not stated): gnomAD exomes below 0.00001.
gnomAD v4.1: 1 of 1,613,232 alleles (0.000062%); no homozygotes.

Submissions (4):

Natera, Inc.
Classification: Likely pathogenic for Limb-girdle muscular dystrophy type 2A. Last evaluated: 2025-10-08. Review status: criteria provided, single submitter. Criteria: Natera Variant Classification Schema (03/2026). Collection method: clinical testing. Allele origin: germline.
Comment: The c.367C>A variant in CAPN3 is a missense variant predicted to cause substitution of glutamine to lysine at amino acid 123. This variant is rare in the general population with a frequency below the threshold expected for the associated phenotype(s). This variant has been observed in one or more individuals affected with the associated recessive disease, as either homozygous or compound heterozygous with a second variant (PMID: 39973406). This variant has been identified in one or more affected individual with a phenotype highly consistent with the associated gene (PMID: 39973406). Computational prediction algorithms indicate this variant is likely to affect gene or protein function. Given the available evidence, this variant is classified as Likely Pathogenic.

Labcorp Genetics (formerly Invitae), Labcorp
Classification: Pathogenic for Autosomal recessive limb-girdle muscular dystrophy type 2A. Last evaluated: 2023-12-19. Review status: criteria provided, single submitter. Criteria: Invitae Variant Classification Sherloc (09022015). Collection method: clinical testing. Allele origin: germline.
Comment: This sequence change replaces glutamine, which is neutral and polar, with lysine, which is basic and polar, at codon 123 of the CAPN3 protein (p.Gln123Lys). This variant is present in population databases (no rsID available, gnomAD 0.01%). This missense change has been observed in individual(s) with autosomal recessive CAPN3-related conditions (Invitae; external communication). In at least one individual the data is consistent with being in trans (on the opposite chromosome) from a pathogenic variant. It has also been observed to segregate with disease in related individuals. ClinVar contains an entry for this variant (Variation ID: 286615). Advanced modeling of protein sequence and biophysical properties (such as structural, functional, and spatial information, amino acid conservation, physicochemical variation, residue mobility, and thermodynamic stability) performed at Invitae indicates that this missense variant is expected to disrupt CAPN3 protein function with a positive predictive value of 80%. For these reasons, this variant has been classified as Pathogenic.

Department of Pathology and Laboratory Medicine, Sinai Health System
Classification: Uncertain significance for autosomal recessive limb-girdle muscular dystrophy. Last evaluated: 2021-07-30. Review status: criteria provided, single submitter. Criteria: ACMG Guidelines, 2015. Collection method: research. Allele origin: germline.

Eurofins Ntd Llc (ga)
Classification: Uncertain significance. Last evaluated: 2016-03-17. Review status: criteria provided, single submitter. Criteria: EGL Classification Definitions 2015. Collection method: clinical testing. Allele origin: germline. Observed: 2 variant alleles, 2 heterozygotes.

Literature cited by the submitters: PubMed 39973406 (cited by Natera, Inc.).

NM_000070.3(CAPN3):c.367C>A (p.Gln123Lys)

Gene: CAPN3 (calpain 3; plus strand). Cytogenetic location: 15q15.1.
Variant type: single nucleotide variant.
Coding change: c.367C>A on transcript NM_000070.3 (MANE Select); coding-DNA position 367, C replaced by A.
Protein change: p.Gln123Lys; replaces glutamine 123 with lysine.
Molecular consequence: missense variant.
Genome position (GRCh38, 1-based): chr15:42,384,540, C>A. VCF-style: chr15-42384540-C-A. GRCh37 (hg19) VCF-style: chr15-42676738-C-A.
Other names: c.367C>A, p.Gln123Lys (NM_024344.2, NM_173087.2); short protein forms Q123K.
Identifiers: ClinVar variation 286615 (VCV000286615.15), dbSNP rs886043437, ClinGen allele CA10605522.
Genomic context (GRCh38, chr15:42,384,540, plus strand): 5'-CAGGAAATTTGCGAGAATCCCCGATTTATCATTGATGGAGCCAACAGAACTGACATCTGT[C>A]AAGGAGAGCTAGGTAGGAAAGTGCCTCAGGTCAGATCCTGCCAGATGATCAAGGGGTGAT-3'
Protein context (NP_000061.1, residues 113-133): IDGANRTDIC[Gln123Lys]GELGDCWFLA